The following is an entry in ClinVar:

ClinVar aggregate classification (germline): Uncertain significance. Review status: criteria provided, multiple submitters, no conflicts (2 of 4 stars). 4 submissions from 4 submitters: Uncertain significance (4). Last evaluated 2025-12-01.

Conditions:
Hereditary cancer-predisposing syndrome. Also called: Neoplastic Syndromes, Hereditary; Hereditary Cancer Syndrome; Tumor predisposition; Hereditary neoplastic syndrome. Identifiers: Orphanet 140162, MedGen C0027672, MeSH D009386, MONDO:0015356.
Hereditary pheochromocytoma and paraganglioma. Also called: Hereditary Paraganglioma-Pheochromocytoma Syndromes; Hereditary paragangliomas and pheochromocytomas; Hereditary pheochromocytoma-paraganglioma. Identifiers: Orphanet 29072, MedGen C4274332, MONDO:0017366.

Allele frequency attached by ClinVar (database versions not stated): gnomAD exomes below 0.00001 and 0.00001; ExAC 0.00001; gnomAD 0.00002; TOPMed 0.00005; ESP Exome Variant Server 0.00008.
gnomAD v4.1: 22 of 1,614,102 alleles (0.0014%); highest among the groups gnomAD compares: African/African-American, 0.0053%; no homozygotes.

Submissions (4):

Labcorp Genetics (formerly Invitae), Labcorp
Classification: Uncertain significance for Hereditary pheochromocytoma and paraganglioma. Last evaluated: 2025-12-01. Review status: criteria provided, single submitter. Criteria: Invitae Variant Classification Sherloc (09022015). Collection method: clinical testing. Allele origin: germline.
Comment: This sequence change replaces lysine, which is basic and polar, with glutamic acid, which is acidic and polar, at codon 45 of the SDHAF2 protein (p.Lys45Glu). This variant is present in population databases (rs368945911, gnomAD 0.0009%). This variant has not been reported in the literature in individuals affected with SDHAF2-related conditions. ClinVar contains an entry for this variant (Variation ID: 532510). An algorithm developed to predict the effect of missense changes on protein structure and function (PolyPhen-2) suggests that this variant is likely to be tolerated. In summary, the available evidence is currently insufficient to determine the role of this variant in disease. Therefore, it has been classified as a Variant of Uncertain Significance.

Ambry Genetics
Classification: Uncertain significance for Hereditary cancer-predisposing syndrome. Last evaluated: 2024-05-26. Review status: criteria provided, single submitter. Criteria: Ambry Variant Classification Scheme 2023. Collection method: clinical testing. Allele origin: germline.
Comment: The p.K45E variant (also known as c.133A>G), located in coding exon 2 of the SDHAF2 gene, results from an A to G substitution at nucleotide position 133. The lysine at codon 45 is replaced by glutamic acid, an amino acid with similar properties. This amino acid position is well conserved in available vertebrate species. In addition, this alteration is predicted to be tolerated by in silico analysis. Since supporting evidence is limited at this time, the clinical significance of this alteration remains unclear.

All of Us Research Program, National Institutes of Health
Classification: Uncertain significance for Hereditary pheochromocytoma and paraganglioma. Last evaluated: 2024-04-16. Review status: criteria provided, single submitter. Criteria: ACMG Guidelines, 2015. Collection method: clinical testing. Allele origin: germline. Inheritance: Autosomal dominant inheritance. Observed: 2 variant alleles, 2 heterozygotes.
Comment: This missense variant replaces lysine with glutamic acid at codon 45 of the SDHAF2 protein. Computational prediction suggests that this variant may not impact protein structure and function (internally defined REVEL score threshold <= 0.5, PMID: 27666373). To our knowledge, functional studies have not been reported for this variant. This variant has not been reported in individuals affected with SDHAF2-related disorders in the literature. This variant has been identified in 1/251434 chromosomes in the general population by the Genome Aggregation Database (gnomAD). The available evidence is insufficient to determine the role of this variant in disease conclusively. Therefore, this variant is classified as a Variant of Uncertain Significance.

This study involves interpretation of variants in research participants for the purpose of population health screening. Participant phenotype was not available at the time of variant classification. Additional details can be found in publication PMID: 35346344, PMCID: PMC8962531

GeneDx
Classification: Uncertain significance. Last evaluated: 2022-10-20. Review status: criteria provided, single submitter. Criteria: GeneDx Variant Classification Process June 2021. Collection method: clinical testing. Allele origin: germline. Affected: yes.
Comment: Not observed at significant frequency in large population cohorts (gnomAD); In silico analysis supports that this missense variant does not alter protein structure/function; Has not been previously published as pathogenic or benign to our knowledge

NM_017841.4(SDHAF2):c.133A>G (p.Lys45Glu)

Gene: SDHAF2 (succinate dehydrogenase complex assembly factor 2; plus strand). Cytogenetic location: 11q12.2.
Variant type: single nucleotide variant.
Coding change: c.133A>G on transcript NM_017841.4 (MANE Select); coding-DNA position 133, A replaced by G.
Protein change: p.Lys45Glu; replaces lysine 45 with glutamic acid.
Molecular consequence: missense variant.
Genome position (GRCh38, 1-based): chr11:61,437,721, A>G. VCF-style: chr11-61437721-A-G. GRCh37 (hg19) VCF-style: chr11-61205193-A-G.
Other names: short protein forms K45E.
Identifiers: ClinVar variation 532510 (VCV000532510.14), dbSNP rs368945911, ClinGen allele CA057782.